The following is an entry in ClinVar:

NM_001372044.2(SHANK3):c.4032C>A (p.Gly1344=)

Gene: SHANK3 (SH3 and multiple ankyrin repeat domains 3; plus strand). Cytogenetic location: 22q13.33.
Variant type: single nucleotide variant.
Coding change: c.4032C>A on transcript NM_001372044.2 (MANE Select); coding-DNA position 4032, C replaced by A.
Protein change: p.Gly1344=; no amino-acid change (glycine 1344 retained).
Molecular consequence: synonymous variant.
Genome position (GRCh38, 1-based): chr22:50,721,640, C>A. VCF-style: chr22-50721640-C-A. GRCh37 (hg19) VCF-style: chr22-51160068-C-A.
Identifiers: ClinVar variation 5040289 (VCV005040289.1).

ClinVar aggregate classification (germline): Likely benign (1 of 4 stars; one submission).

Submission:

CeGaT Center for Human Genetics Tuebingen
Classification: Likely benign. Last evaluated: 2026-07-01. Review status: criteria provided, single submitter. Criteria: CeGaT Center For Human Genetics Tuebingen Variant Classification Criteria Version 2. Collection method: clinical testing. Allele origin: germline. Affected: yes. Observed: 1 variant allele.
Comment: SHANK3: BP4, BP7